The following is an entry in ClinVar:

ClinVar aggregate classification (germline): Pathogenic (1 of 4 stars; one submission).

Submission:

GeneDx
Classification: Pathogenic. Last evaluated: 2023-12-29. Review status: criteria provided, single submitter. Criteria: GeneDx Variant Classification Process June 2021. Collection method: clinical testing. Allele origin: germline.
Comment: Not observed at significant frequency in large population cohorts (gnomAD); Missense variants in this gene are often considered pathogenic (HGMD); This variant is associated with the following publications: (PMID: 31183211, 14681681, 36039514, 31336229, 15488754, 29493581, 24957944, 17603483, 16439621, 15520807)

NM_004333.6(BRAF):c.1396G>C (p.Gly466Arg)

Gene: BRAF (B-Raf proto-oncogene, serine/threonine kinase; minus strand). Cytogenetic location: 7q34.
Variant type: single nucleotide variant.
Coding change: c.1396G>C on transcript NM_004333.6 (MANE Select); coding-DNA position 1396, G replaced by C.
Protein change: p.Gly466Arg; replaces glycine 466 with arginine.
Molecular consequence: missense variant.
Genome position (GRCh38, 1-based): chr7:140,781,612, C>G on the plus strand (G>C on the coding strand, the complement: BRAF is on the minus strand). VCF-style: chr7-140781612-C-G. GRCh37 (hg19) VCF-style: chr7-140481412-C-G.
Other names: c.1396G>C, p.Gly466Arg (NM_001354609.2, NM_001378468.1, NM_001378474.1); c.1516G>C, p.Gly506Arg (NM_001374244.1, NM_001374258.1); c.1405G>C, p.Gly469Arg (NM_001378467.1); c.1330G>C, p.Gly444Arg (NM_001378469.1); c.1294G>C, p.Gly432Arg (NM_001378470.1); c.1285G>C, p.Gly429Arg (NM_001378471.1); c.1240G>C, p.Gly414Arg (NM_001378472.1, NM_001378473.1); c.1132G>C, p.Gly378Arg (NM_001378475.1); short protein forms G378R, G414R, G429R, G432R, G444R, G466R, G469R, G506R.
Identifiers: ClinVar variation 2501901 (VCV002501901.2), dbSNP rs121913353, ClinGen allele CA168090546.
Genomic context (GRCh38, chr7:140,781,612, plus strand): 5'-AATGTCACCACATTACATACTTACCATGCCACTTTCCCTTGTAGACTGTTCCAAATGATC[C>G]AGATCCAATTCTTTGTCCCACTGTAATCTGCCCATCAGGAATCTCCCAATCATCACTCGA-3'
Protein context (NP_004324.2, residues 456-476): QITVGQRIGS[Gly466Arg]SFGTVYKGKW